The following is an entry in ClinVar:

NM_005751.5(AKAP9):c.4707T>G (p.Ile1569Met)

Gene: AKAP9 (A-kinase anchoring protein 9; plus strand). Cytogenetic location: 7q21.2.
Variant type: single nucleotide variant.
Coding change: c.4707T>G on transcript NM_005751.5 (MANE Select); coding-DNA position 4707, T replaced by G.
Protein change: p.Ile1569Met; replaces isoleucine 1569 with methionine.
Molecular consequence: missense variant.
Genome position (GRCh38, 1-based): chr7:92,040,688, T>G. VCF-style: chr7-92040688-T-G. GRCh37 (hg19) VCF-style: chr7-91670002-T-G.
Other names: c.4707T>G, p.Ile1569Met (NM_147185.3); short protein forms I1569M.
Identifiers: ClinVar variation 1039717 (VCV001039717.10), dbSNP rs1207821150, ClinGen allele CA368129390.

ClinVar aggregate classification (germline): Uncertain significance. Review status: criteria provided, multiple submitters, no conflicts (2 of 4 stars). 2 submissions from 2 submitters: Uncertain significance (2). Last evaluated 2024-04-29.

Conditions:
Cardiovascular phenotype. Identifiers: MedGen CN230736.
Long QT syndrome (LQTS). Identifiers: MedGen C0023976, MeSH D008133, MONDO:0002442. Disease mechanism: loss of function. Inheritance: Various modes of inheritance.

Allele frequency attached by ClinVar (database versions not stated): gnomAD exomes below 0.00001.
gnomAD v4.1: 3 of 1,605,558 alleles (0.00019%); highest among the groups gnomAD compares: Admixed American, 0.0017%; no homozygotes.

Submissions (2):

Labcorp Genetics (formerly Invitae), Labcorp
Classification: Uncertain significance for Long QT syndrome. Last evaluated: 2024-04-29. Review status: criteria provided, single submitter. Criteria: Invitae Variant Classification Sherloc (09022015). Collection method: clinical testing. Allele origin: germline.
Comment: This sequence change replaces isoleucine, which is neutral and non-polar, with methionine, which is neutral and non-polar, at codon 1569 of the AKAP9 protein (p.Ile1569Met). This variant is present in population databases (no rsID available, gnomAD 0.003%). This missense change has been observed in individual(s) with long QT syndrome (PMID: 34546463). ClinVar contains an entry for this variant (Variation ID: 1039717). Algorithms developed to predict the effect of missense changes on protein structure and function output the following: SIFT: "Not Available"; PolyPhen-2: "Benign"; Align-GVGD: "Not Available". The methionine amino acid residue is found in multiple mammalian species, which suggests that this missense change does not adversely affect protein function. In summary, the available evidence is currently insufficient to determine the role of this variant in disease. Therefore, it has been classified as a Variant of Uncertain Significance.

Ambry Genetics
Classification: Uncertain significance for Cardiovascular phenotype. Last evaluated: 2021-04-13. Review status: criteria provided, single submitter. Criteria: Ambry Variant Classification Scheme 2023. Collection method: clinical testing. Allele origin: germline.
Comment: The p.I1569M variant (also known as c.4707T>G), located in coding exon 18 of the AKAP9 gene, results from a T to G substitution at nucleotide position 4707. The isoleucine at codon 1569 is replaced by methionine, an amino acid with highly similar properties. This variant co-occurred with a gross deletion in KCNH2 and a missense variant in KCNE1 in an individual reported to have long QT syndrome (Mates J et al. Eur J Hum Genet, 2018 07;26:1014-1025). This amino acid position is not well conserved in available vertebrate species, and methionine is the reference amino acid in other vertebrate species. In addition, this alteration is predicted to be tolerated by in silico analysis. Since supporting evidence is limited at this time, the clinical significance of this alteration remains unclear.

Literature cited by the submitters: PubMed 34546463 (cited by Labcorp Genetics (formerly Invitae), Labcorp); PubMed 29511324 (cited by Ambry Genetics).